The following is an entry in ClinVar:

NM_001378609.3(OTOGL):c.5736T>C (p.Val1912=)

Gene: OTOGL (otogelin like; plus strand). Cytogenetic location: 12q21.31.
Variant type: single nucleotide variant.
Coding change: c.5736T>C on transcript NM_001378609.3 (MANE Select); coding-DNA position 5736, T replaced by C.
Protein change: p.Val1912=; no amino-acid change (valine 1912 retained).
Molecular consequence: synonymous variant.
Genome position (GRCh38, 1-based): chr12:80,355,878, T>C. VCF-style: chr12-80355878-T-C. GRCh37 (hg19) VCF-style: chr12-80749658-T-C.
Other names: c.5601T>C, p.Val1867= (NM_001368062.3); c.5736T>C, p.Val1912= (NM_001378610.3, NM_173591.7).
Identifiers: ClinVar variation 666742 (VCV000666742.13), dbSNP rs368807465, ClinGen allele CA6701794.

ClinVar aggregate classification (germline): Likely benign. Review status: criteria provided, multiple submitters, no conflicts (2 of 4 stars). 3 submissions from 3 submitters: Likely benign (3). Last evaluated 2026-04-01.

Allele frequency attached by ClinVar (database versions not stated): TOPMed 0.00019; ESP Exome Variant Server 0.00025; gnomAD 0.00026 and 0.00027; gnomAD exomes 0.00030; ExAC 0.00035.
gnomAD v4.1: 476 of 1,613,784 alleles (0.029%); highest among the groups gnomAD compares: Non-Finnish European, 0.035%; 1 homozygote.

Submissions (3):

CeGaT Center for Human Genetics Tuebingen
Classification: Likely benign. Last evaluated: 2026-04-01. Review status: criteria provided, single submitter. Criteria: CeGaT Center For Human Genetics Tuebingen Variant Classification Criteria Version 2. Collection method: clinical testing. Allele origin: germline. Affected: yes. Observed: 1 variant allele.
Comment: OTOGL: BP4, BP7

Labcorp Genetics (formerly Invitae), Labcorp
Classification: Likely benign. Last evaluated: 2025-09-08. Review status: criteria provided, single submitter. Criteria: Invitae Variant Classification Sherloc (09022015). Collection method: clinical testing. Allele origin: germline.

Laboratory for Molecular Medicine, Mass General Brigham Personalized Medicine
Classification: Likely benign. Last evaluated: 2014-11-24. Review status: criteria provided, single submitter. Criteria: LMM Criteria. Collection method: clinical testing. Allele origin: germline. Observed: 1 variant allele.
Comment: Val1903Val in exon 46 of OTOGL: This variant is not expected to have clinical si gnificance because it does not alter an amino acid residue and is not located wi thin the splice consensus sequence. It has been identified in 3/8290 European Am erican chromosomes from a broad population by the NHLBI Exome Sequencing Project.